The following is an entry in ClinVar:

ClinVar aggregate classification (germline): Uncertain significance (1 of 4 stars; one submission).

Conditions:
Hypertrophic cardiomyopathy 7. Also called: CARDIOMYOPATHY, FAMILIAL HYPERTROPHIC, 7, MODIFIER OF; TNNI3-Related Familial Hypertrophic Cardiomyopathy; Familial hypertrophic cardiomyopathy 7. Identifiers: MedGen C1860752, MONDO:0013369, OMIM 613690.

Submission:

3billion
Classification: Uncertain significance for Hypertrophic cardiomyopathy 7. Last evaluated: 2025-08-01. Review status: criteria provided, single submitter. Criteria: ACMG Guidelines, 2015. Collection method: clinical testing. Allele origin: germline. Affected: yes.
Comment: The variant is not observed in the gnomAD v4.1.0 dataset. Predicted Consequence/Location: Missense variant In silico tool predictions suggest damaging effect of the variant on gene or gene product [REVEL: 0.94 (>=0.6, sensitivity 0.68 and specificity 0.92); 3Cnet: 0.90 (> 0.75, sensitivity 0.96 and precision 0.92)]. The same nucleotide change resulting in the same amino acid change has been previously reported to be associated with TNNI3-related disorder (3billion dataset).A different missense change at the same codon (p.Met201Thr) has been reported to be associated with TNNI3-related disorder (PMID: 21533915). However the evidence of pathogenicity is insufficient at this time. Therefore, this variant is classified as VUS according to the recommendation of ACMG/AMP guideline.

Literature cited by the submitters: PubMed 21533915.

NM_000363.5(TNNI3):c.602T>A (p.Met201Lys)

Gene: TNNI3 (troponin I3, cardiac type; minus strand). Cytogenetic location: 19q13.42.
Variant type: single nucleotide variant.
Coding change: c.602T>A on transcript NM_000363.5 (MANE Select); coding-DNA position 602, T replaced by A.
Protein change: p.Met201Lys; replaces methionine 201 with lysine.
Molecular consequence: missense variant.
Genome position (GRCh38, 1-based): chr19:55,151,865, A>T on the plus strand (T>A on the coding strand, the complement: TNNI3 is on the minus strand). VCF-style: chr19-55151865-A-T. GRCh37 (hg19) VCF-style: chr19-55663233-A-T.
Other names: short protein forms M201K.
Identifiers: ClinVar variation 4854748 (VCV004854748.1).